The following is an entry in ClinVar:

ClinVar aggregate classification (germline): Uncertain significance. Review status: criteria provided, multiple submitters, no conflicts (2 of 4 stars). 2 submissions from 2 submitters: Uncertain significance (2). Last evaluated 2023-04-22.

Conditions:
Microcephaly 7, primary, autosomal recessive. Identifiers: Orphanet 2512, MedGen C2675187, MONDO:0012989, OMIM 612703.

Allele frequency attached by ClinVar (database versions not stated): ExAC 0.00007; gnomAD exomes 0.00007 and 0.00009; TOPMed 0.00007; gnomAD 0.00010 and 0.00012.
gnomAD v4.1: 156 of 1,607,482 alleles (0.0097%); highest among the groups gnomAD compares: South Asian, 0.017%; no homozygotes.

Submissions (2):

Labcorp Genetics (formerly Invitae), Labcorp
Classification: Uncertain significance. Last evaluated: 2023-04-22. Review status: criteria provided, single submitter. Criteria: Invitae Variant Classification Sherloc (09022015). Collection method: clinical testing. Allele origin: germline.
Comment: This variant has not been reported in the literature in individuals affected with STIL-related conditions. This variant is present in population databases (rs201354921, gnomAD 0.02%). This sequence change replaces glycine, which is neutral and non-polar, with serine, which is neutral and polar, at codon 1052 of the STIL protein (p.Gly1052Ser). ClinVar contains an entry for this variant (Variation ID: 160062). In summary, the available evidence is currently insufficient to determine the role of this variant in disease. Therefore, it has been classified as a Variant of Uncertain Significance. Advanced modeling of protein sequence and biophysical properties (such as structural, functional, and spatial information, amino acid conservation, physicochemical variation, residue mobility, and thermodynamic stability) performed at Invitae indicates that this missense variant is not expected to disrupt STIL protein function.

Genetic Services Laboratory, University of Chicago
Classification: Uncertain significance for Microcephaly 7, primary, autosomal recessive. Last evaluated: 2014-04-17. Review status: criteria provided, single submitter. Criteria: ACMG Guidelines, 2007. Collection method: clinical testing. Allele origin: germline. Inheritance: Autosomal recessive inheritance.

NM_001048166.1(STIL):c.3157G>A (p.Gly1053Ser)

Gene: STIL (STIL centriolar assembly protein; minus strand). Cytogenetic location: 1p33.
Variant type: single nucleotide variant.
Coding change: c.3157G>A on transcript NM_001048166.1 (MANE Select); coding-DNA position 3157, G replaced by A.
Protein change: p.Gly1053Ser; replaces glycine 1053 with serine.
Molecular consequence: missense variant.
Genome position (GRCh38, 1-based): chr1:47,251,846, C>T on the plus strand (G>A on the coding strand, the complement: STIL is on the minus strand). VCF-style: chr1-47251846-C-T. GRCh37 (hg19) VCF-style: chr1-47717518-C-T.
Other names: c.3154G>A, p.Gly1052Ser (NM_001282936.1, NM_003035.2); c.3103G>A, p.Gly1035Ser (NM_001282937.1); c.3016G>A, p.Gly1006Ser (NM_001282938.1); c.2962G>A, p.Gly988Ser (NM_001282939.1); short protein forms G1052S, G1053S, G988S, G1006S, G1035S.
Identifiers: ClinVar variation 160062 (VCV000160062.8), dbSNP rs201354921, ClinGen allele CA272682.